The following is an entry in ClinVar:

ClinVar aggregate classification (germline): Uncertain significance. Review status: criteria provided, multiple submitters, no conflicts (2 of 4 stars). 3 submissions from 3 submitters: Uncertain significance (3). Last evaluated 2025-09-08.

Conditions:
Inborn genetic diseases. Identifiers: MedGen C0950123, MeSH D030342.

Allele frequency attached by ClinVar (database versions not stated): TOPMed 0.00006; ExAC 0.00007; gnomAD 0.00007; ESP Exome Variant Server 0.00008; 1000 Genomes Project 30x 0.00016.
gnomAD v4.1: 112 of 1,614,134 alleles (0.0069%); highest among the groups gnomAD compares: Middle Eastern, 0.016%; no homozygotes.

Submissions (3):

Labcorp Genetics (formerly Invitae), Labcorp
Classification: Uncertain significance. Last evaluated: 2025-09-08. Review status: criteria provided, single submitter. Criteria: Invitae Variant Classification Sherloc (09022015). Collection method: clinical testing. Allele origin: germline.
Comment: This sequence change replaces tryptophan, which is neutral and slightly polar, with cysteine, which is neutral and slightly polar, at codon 1076 of the SPTB protein (p.Trp1076Cys). This variant is present in population databases (rs45507992, gnomAD 0.009%). This variant has not been reported in the literature in individuals affected with SPTB-related conditions. ClinVar contains an entry for this variant (Variation ID: 2170766). An algorithm developed to predict the effect of missense changes on protein structure and function (PolyPhen-2) suggests that this variant is likely to be disruptive. In summary, the available evidence is currently insufficient to determine the role of this variant in disease. Therefore, it has been classified as a Variant of Uncertain Significance.

Ambry Genetics
Classification: Uncertain significance for Inborn genetic diseases. Last evaluated: 2025-04-07. Review status: criteria provided, single submitter. Criteria: Ambry Variant Classification Scheme 2023. Collection method: clinical testing. Allele origin: germline.

Revvity Omics, Revvity
Classification: Uncertain significance. Last evaluated: 2023-08-17. Review status: criteria provided, single submitter. Criteria: ACMG Guidelines, 2015. Collection method: clinical testing. Allele origin: germline.

NM_001355436.2(SPTB):c.3228G>T (p.Trp1076Cys)

Gene: SPTB (spectrin beta, erythrocytic; minus strand). Cytogenetic location: 14q23.3.
Variant type: single nucleotide variant.
Coding change: c.3228G>T on transcript NM_001355436.2 (MANE Select); coding-DNA position 3228, G replaced by T.
Protein change: p.Trp1076Cys; replaces tryptophan 1076 with cysteine.
Molecular consequence: missense variant.
Genome position (GRCh38, 1-based): chr14:64,786,737, C>A on the plus strand (G>T on the coding strand, the complement: SPTB is on the minus strand). VCF-style: chr14-64786737-C-A. GRCh37 (hg19) VCF-style: chr14-65253455-C-A.
Other names: NM_000347.5:c.3228G>T; c.3228G>T, p.Trp1076Cys (NM_001024858.4, NM_001355437.2); short protein forms W1076C.
Identifiers: ClinVar variation 2170766 (VCV002170766.8), dbSNP rs45507992, ClinGen allele CA7230670.